The following is an entry in ClinVar:

NM_001130438.3(SPTAN1):c.2011+10G>A

Gene: SPTAN1 (spectrin alpha, non-erythrocytic 1; plus strand). Cytogenetic location: 9q34.11.
Variant type: single nucleotide variant.
Coding change: c.2011+10G>A on transcript NM_001130438.3 (MANE Select); 10 bases into the intron after coding-DNA position 2011, G replaced by A.
Molecular consequence: intron variant.
Genome position (GRCh38, 1-based): chr9:128,583,291, G>A. VCF-style: chr9-128583291-G-A. GRCh37 (hg19) VCF-style: chr9-131345570-G-A.
Other names: c.2011+10G>A (NM_001363759.2, NM_003127.4, NM_001363765.2 and 1 more transcripts).
Identifiers: ClinVar variation 139274 (VCV000139274.18), dbSNP rs377437879, ClinGen allele CA232582.
Genomic context (GRCh38, chr9:128,583,291, plus strand): 5'-ATGAGGTGATCAGTTTGTGGAAGAAACTGCTAGAGGCCACTGAACTGAAAGGTAAGAGAT[G>A]TTCCATTGAATTGTGACATGCATGTTTGGGGAACTAAATACCCCTTTCTATTAAGTATTT-3'

ClinVar aggregate classification (germline): Conflicting classifications of pathogenicity. Review status: criteria provided, conflicting classifications (1 of 4 stars). 4 submissions from 4 submitters: Uncertain significance (1); Benign (1); Likely benign (2). Last evaluated 2026-01-01.

Conditions:
Early-infantile DEE. Also called: Early infantile epileptic encephalopathy; Ohtahara syndrome; Early infantile epileptic encephalopathy with suppression bursts. Identifiers: Orphanet 1934, MedGen C0393706, MONDO:0800491.
Developmental and epileptic encephalopathy, 5 (DEE5). Identifiers: Orphanet 3451, MedGen C3150731, MONDO:0013277, OMIM 613477.

Allele frequency attached by ClinVar (database versions not stated): ExAC 0.00008; gnomAD exomes 0.00010 and 0.00021; ESP Exome Variant Server 0.00015; TOPMed 0.00016; gnomAD 0.00017 and 0.00018.
gnomAD v4.1: 330 of 1,612,958 alleles (0.02%); highest among the groups gnomAD compares: Non-Finnish European, 0.027%; no homozygotes.

Submissions (4):

Labcorp Genetics (formerly Invitae), Labcorp
Classification: Likely benign for Early-infantile DEE. Last evaluated: 2026-01-01. Review status: criteria provided, single submitter. Criteria: Invitae Variant Classification Sherloc (09022015). Collection method: clinical testing. Allele origin: germline.

Genome-Nilou Lab
Classification: Likely benign for Developmental and epileptic encephalopathy, 5. Last evaluated: 2021-07-15. Review status: criteria provided, single submitter. Criteria: ACMG Guidelines, 2015. Collection method: clinical testing. Allele origin: germline. Affected: no.

Eurofins Ntd Llc (ga)
Classification: Uncertain significance. Last evaluated: 2015-02-27. Review status: criteria provided, single submitter. Criteria: EGL Classification Definitions 2015. Collection method: clinical testing. Allele origin: germline. Observed: 1 variant allele, 1 heterozygote.

GeneDx
Classification: Benign. Last evaluated: 2014-01-30. Review status: criteria provided, single submitter. Criteria: GeneDx Variant Classification (06012015). Collection method: clinical testing. Allele origin: germline. Affected: yes.
Comment: This variant is considered likely benign or benign based on one or more of the following criteria: it is a conservative change, it occurs at a poorly conserved position in the protein, it is predicted to be benign by multiple in silico algorithms, and/or has population frequency not consistent with disease.